The following is an entry in ClinVar:

NM_001080414.4(CCDC88C):c.810-1G>A

Gene: CCDC88C (coiled-coil and HOOK domain protein 88C; minus strand). Cytogenetic location: 14q32.11.
Variant type: single nucleotide variant.
Coding change: c.810-1G>A on transcript NM_001080414.4 (MANE Select); the canonical splice acceptor site of the intron before coding-DNA position 810, G replaced by A.
Molecular consequence: splice acceptor variant.
Genome position (GRCh38, 1-based): chr14:91,338,571, C>T on the plus strand (G>A on the coding strand, the complement: CCDC88C is on the minus strand). VCF-style: chr14-91338571-C-T. GRCh37 (hg19) VCF-style: chr14-91804915-C-T.
Identifiers: ClinVar variation 2698948 (VCV002698948.3), dbSNP rs867122896, ClinGen allele CA390612418.

ClinVar aggregate classification (germline): Likely pathogenic (1 of 4 stars; one submission).

Allele frequency attached by ClinVar (database versions not stated): gnomAD exomes below 0.00001.
gnomAD v4.1: 2 of 1,559,864 alleles (0.00013%); highest among the groups gnomAD compares: Non-Finnish European, 0.00017%; no homozygotes.

Submission:

Labcorp Genetics (formerly Invitae), Labcorp
Classification: Likely pathogenic. Last evaluated: 2023-11-25. Review status: criteria provided, single submitter. Criteria: Invitae Variant Classification Sherloc (09022015). Collection method: clinical testing. Allele origin: germline.
Comment: This sequence change affects an acceptor splice site in intron 8 of the CCDC88C gene. It is expected to disrupt RNA splicing. Variants that disrupt the donor or acceptor splice site typically lead to a loss of protein function (PMID: 16199547), and loss-of-function variants in CCDC88C are known to be pathogenic (PMID: 23042809, 29225145). This variant is not present in population databases (gnomAD no frequency). This variant has not been reported in the literature in individuals affected with CCDC88C-related conditions. Algorithms developed to predict the effect of sequence changes on RNA splicing suggest that this variant may disrupt the consensus splice site. In summary, the currently available evidence indicates that the variant is pathogenic, but additional data are needed to prove that conclusively. Therefore, this variant has been classified as Likely Pathogenic.

Literature cited by the submitters: PubMed 16199547; PubMed 23042809; PubMed 29225145.